The following is an entry in ClinVar:

NM_015692.5(CPAMD8):c.1758+1_1758+4del

Gene: CPAMD8 (C3 and PZP like alpha-2-macroglobulin domain containing 8; minus strand). Cytogenetic location: 19p13.11.
Variant type: Deletion.
Coding change: c.1758+1_1758+4del on transcript NM_015692.5 (MANE Select); the canonical splice donor site of the intron after coding-DNA position 1758 through 4 bases into the intron after coding-DNA position 1758, 4 bases deleted (GTAG; older notation c.1758+1_1758+4delGTAG).
Molecular consequence: splice donor variant.
Genome position (GRCh38, 1-based): chr19:16,977,364-16,977,367, CTAC deleted on the plus strand (GTAG on the coding strand, the reverse complement: CPAMD8 is on the minus strand); deleting any 4 consecutive bases within chr19:16,977,364-16,977,369 gives the same sequence; the c. name uses the placement nearest the transcript's 3' end. VCF-style (leftmost placement, unchanged base first): chr19-16977363-TCTAC-T. GRCh37 (hg19) VCF-style: chr19-17088173-TCTAC-T.
Other names: c.1758+1_1758+4delGTAG (NM_015692.5); c.1899+1_1899+4delGTAG (NM_015692.2).
Identifiers: ClinVar variation 2574039 (VCV002574039.8), dbSNP rs577740063, ClinGen allele CA9285594.

ClinVar aggregate classification (germline): Pathogenic/Likely pathogenic. Review status: criteria provided, multiple submitters, no conflicts (2 of 4 stars). 5 submissions from 5 submitters: Pathogenic (2); Likely pathogenic (3). Last evaluated 2025-05-26.

Conditions:
CPAMD8-related disorder. Also called: CPAMD8-related condition.
Anterior segment dysgenesis 8 (ASGD8). Identifiers: Orphanet 519388, MedGen C4310622, MONDO:0015017, OMIM 617319.

Submissions (5):

Dasa
Classification: Likely pathogenic. Last evaluated: 2025-05-26. Review status: criteria provided, single submitter. Criteria: DASA Assertion Criteria. Collection method: clinical testing. Allele origin: germline.
Comment: NM_015692.5(CPAMD8):c.1758+1_1758+4del is a splice-region variant predicted to affect normal RNA splicing. This variant is rare in population databases. Based on the currently available evidence, this variant is classified as likely pathogenic.

PreventionGenetics, part of Exact Sciences
Classification: Pathogenic for CPAMD8-related condition. Last evaluated: 2025-01-31. Review status: criteria provided, single submitter. Criteria: ACMG Guidelines, 2015. Collection method: clinical testing. Allele origin: germline.
Comment: The CPAMD8 c.1899+1_1899+4delGTAG variant is predicted to result in a deletion affecting a canonical splice site. This variant, also known as c.1758+1_1758+4del, has been reported in the compound heterozygous state with a pathogenic variant in an individual with congenital glaucoma and anterior segment dysgenesis (Bonet-Fernández et al. 2020. PubMed ID: 32274568). A functional study from this same report showed that this variant leads to aberrant splicing as predicted (Bonet-Fernández et al. 2020. PubMed ID: 32274568). This splice variant has been reported in a child with anterior segment dysgenesis in compound heterozygous state with a variant of uncertain significance, c.4028-1030T>C (Table S7 in Lecca et al. 2024. PubMed ID: 38840272). This variant is reported in 0.017% of alleles in individuals of Latino descent in gnomAD. Given the evidence, we interpret this variant as pathogenic.

Labcorp Genetics (formerly Invitae), Labcorp
Classification: Likely pathogenic. Last evaluated: 2024-10-27. Review status: criteria provided, single submitter. Criteria: Invitae Variant Classification Sherloc (09022015). Collection method: clinical testing. Allele origin: germline.
Comment: This sequence change affects a splice site in intron 15 of the CPAMD8 gene. It is expected to disrupt RNA splicing. Variants that disrupt the donor or acceptor splice site typically lead to a loss of protein function (PMID: 16199547), and loss-of-function variants in CPAMD8 are known to be pathogenic (PMID: 27839872, 29556725). This variant is present in population databases (rs577740063, gnomAD 0.02%). This variant has not been reported in the literature in individuals affected with CPAMD8-related conditions. Algorithms developed to predict the effect of sequence changes on RNA splicing suggest that this variant may disrupt the consensus splice site. In summary, the currently available evidence indicates that the variant is pathogenic, but additional data are needed to prove that conclusively. Therefore, this variant has been classified as Likely Pathogenic.

Molecular Medicine, University of Pavia
Classification: Likely pathogenic for Anterior segment dysgenesis 8. Last evaluated: 2023-07-28. Review status: criteria provided, single submitter. Criteria: ACMG Guidelines, 2015. Collection method: research. Allele origin: maternal. Affected: yes. Observed: 1 variant allele.

Groupe Hospitalier Pitie Salpetriere, Uf Genomique Du Developpement, Assistance Publique Hopitaux de Paris Sorbonne Université
Classification: Pathogenic for Anterior segment dysgenesis 8. Review status: criteria provided, single submitter. Criteria: ACMG Guidelines, 2015. Collection method: clinical testing. Allele origin: germline. Affected: yes.
Comment: This variant is a null variant (PVS1), for recessive disorders detected in trans with a pathogenic variant (PM3) and reported as pathogenic by a reputable source though evidence isnt available for independent evaluation (PP5)

Literature cited by the submitters: PubMed 16199547 (cited by Labcorp Genetics (formerly Invitae), Labcorp); PubMed 27839872 (cited by Labcorp Genetics (formerly Invitae), Labcorp); PubMed 29556725 (cited by Labcorp Genetics (formerly Invitae), Labcorp).